The following is an entry in ClinVar:

NM_003622.4(PPFIBP1):c.1300C>T (p.Gln434Ter)

Gene: PPFIBP1 (PPFIB scaffold protein 1; plus strand). Cytogenetic location: 12p11.22.
Variant type: single nucleotide variant.
Coding change: c.1300C>T on transcript NM_003622.4 (MANE Select); coding-DNA position 1300, C replaced by T.
Protein change: p.Gln434Ter; replaces glutamine 434 with a stop codon.
Molecular consequence: nonsense.
Genome position (GRCh38, 1-based): chr12:27,672,464, C>T. VCF-style: chr12-27672464-C-T. GRCh37 (hg19) VCF-style: chr12-27825397-C-T.
Other names: c.892C>T, p.Gln298Ter (NM_001198915.2); c.1258C>T, p.Gln420Ter (NM_001198916.2); c.1351C>T, p.Gln451Ter (NM_177444.3); short protein forms Q298*, Q420*, Q434*, Q451*.
Identifiers: ClinVar variation 1679182 (VCV001679182.1), dbSNP rs2140201554, ClinGen allele CA384197590.
Genomic context (GRCh38, chr12:27,672,464, plus strand): 5'-ACCTTTTGTTCTTTACATTTTAGTGATGGAAACATAATCCTTGGTGCCACTGTTGATACC[C>T]AACTGTGTGATAAACTTTTGTAAGTTACATTTTATTGAATGTGAAAAATGTGATTGAGGC-3'

ClinVar aggregate classification (germline): Pathogenic (1 of 4 stars; one submission).

Conditions:
Microcephaly. Also called: Microcephaly (disease). Identifiers: MedGen C4551563, MONDO:0001149, HP:0000252.
Severe intellectual disability. Identifiers: MedGen C0036857, HP:0010864.
Cerebral calcification. Also called: Cerebral calcifications. Identifiers: MedGen C0270685, HP:0002514.
Seizure. Also called: Seizures. Identifiers: MedGen C0036572, HP:0001250.

Submission:

Institute of Human Genetics, University of Leipzig Medical Center
Classification: Pathogenic for Severe intellectual disability; Seizure; Microcephaly; Cerebral calcification. Last evaluated: 2022-04-14. Review status: criteria provided, single submitter. Criteria: ACMG Guidelines, 2015. Collection method: research. Allele origin: germline. Affected: yes.
Comment: The variant was identified as homozygous. Criteria applied: PVS1, PM2_Supporting, PM3_Supporting

Literature cited by the submitters: DOI doi.org/10.1101/2022.04.04.22273309.